The following is an entry in ClinVar:

ClinVar aggregate classification (germline): Pathogenic (1 of 4 stars; one submission).

Conditions:
EAST syndrome (SESAMES). Also called: SEIZURES, SENSORINEURAL DEAFNESS, ATAXIA, IMPAIRED INTELLECTUAL DEVELOPMENT, AND ELECTROLYTE IMBALANCE. Identifiers: Orphanet 199343, MedGen C2748572, MONDO:0013005, OMIM 612780.

Allele frequency attached by ClinVar (database versions not stated): gnomAD exomes below 0.00001.

Submission:

Labcorp Genetics (formerly Invitae), Labcorp
Classification: Pathogenic for EAST syndrome. Last evaluated: 2022-11-11. Review status: criteria provided, single submitter. Criteria: Invitae Variant Classification Sherloc (09022015). Collection method: clinical testing. Allele origin: germline.
Comment: This sequence change creates a premature translational stop signal (p.Val7Alafs*55) in the KCNJ10 gene. While this is not anticipated to result in nonsense mediated decay, it is expected to disrupt the last 373 amino acid(s) of the KCNJ10 protein. This variant is not present in population databases (gnomAD no frequency). This variant has not been reported in the literature in individuals affected with KCNJ10-related conditions. This variant disrupts a region of the KCNJ10 protein in which other variant(s) (p.Arg199*) have been determined to be pathogenic (PMID: 19289823, 20651251, 20678478, 20807765, 21088294, 23924083). This suggests that this is a clinically significant region of the protein, and that variants that disrupt it are likely to be disease-causing. For these reasons, this variant has been classified as Pathogenic.

Literature cited by the submitters: PubMed 19289823; PubMed 20651251; PubMed 20678478; PubMed 20807765; PubMed 21088294; PubMed 23924083.

NM_002241.5(KCNJ10):c.19_20insC (p.Val7fs)

Gene: KCNJ10 (potassium inwardly rectifying channel subfamily J member 10; minus strand). Cytogenetic location: 1q23.2.
Variant type: Insertion.
Coding change: c.19_20insC on transcript NM_002241.5 (MANE Select); coding-DNA positions 19 to 20, C inserted.
Protein change: p.Val7fs; shifts the reading frame from valine 7.
Molecular consequence: frameshift variant.
Genome position: GRCh38 VCF-style: chr1-160042513-A-AG. GRCh37 (hg19) VCF-style: chr1-160012303-A-AG.
Other names: short protein forms V7fs.
Identifiers: ClinVar variation 2813570 (VCV002813570.3), dbSNP rs2525431823, ClinGen allele CA2648632604.